The following is an entry in ClinVar:

ClinVar aggregate classification (germline): Uncertain significance. Review status: criteria provided, single submitter (1 of 4 stars). 2 submissions from 2 submitters: Uncertain significance (1). 1 of the submissions does not count toward it. Last evaluated 2021-09-01.

Conditions:
Retinitis pigmentosa 25 (RP25). Identifiers: Orphanet 791, MedGen C1864446, MONDO:0011272, OMIM 602772.

gnomAD v4.1: 8 of 1,551,146 alleles (0.00052%); highest among the groups gnomAD compares: Admixed American, 0.002%; no homozygotes.

Submissions (3):

Labcorp Genetics (formerly Invitae), Labcorp
Classification: Uncertain significance. Last evaluated: 2021-09-01. Review status: criteria provided, single submitter. Criteria: Invitae Variant Classification Sherloc (09022015). Collection method: clinical testing. Allele origin: germline.
Comment: This sequence change replaces glutamic acid with lysine at codon 3068 of the EYS protein (p.Glu3068Lys). The glutamic acid residue is highly conserved and there is a small physicochemical difference between glutamic acid and lysine. This variant is not present in population databases (ExAC no frequency). This variant has not been reported in the literature in individuals affected with EYS-related conditions. Algorithms developed to predict the effect of missense changes on protein structure and function output the following: SIFT: "Deleterious"; PolyPhen-2: "Probably Damaging"; Align-GVGD: "Class C0". The lysine amino acid residue is found in multiple mammalian species, which suggests that this missense change does not adversely affect protein function. In summary, the available evidence is currently insufficient to determine the role of this variant in disease. Therefore, it has been classified as a Variant of Uncertain Significance.

Natera, Inc.
Classification: Uncertain significance for Retinitis pigmentosa type 25. Last evaluated: 2020-12-04. Review status: no assertion criteria provided. Collection method: clinical testing. Allele origin: germline. Not counted in ClinVar's aggregate classification.

Dr. Peter K. Rogan Lab, Western University
No classification provided (evidence only). Condition: Cervical cancer. Review status: no classification provided. Collection method: in vitro. Allele origin: not applicable. Functional consequence: retained intron. Not counted in ClinVar's aggregate classification.

NM_001142800.2(EYS):c.9202G>A (p.Glu3068Lys)

Genes: EYS (EGF-like photoreceptor maintenance factor; minus strand), PHF3 (PHD finger protein 3; plus strand). Cytogenetic location: 6q12.
Variant type: single nucleotide variant.
Coding change: c.9202G>A on transcript NM_001142800.2 (MANE Select); coding-DNA position 9202, G replaced by A.
Protein change: p.Glu3068Lys; replaces glutamic acid 3068 with lysine.
Molecular consequence: missense variant. On other transcripts: 3 prime UTR variant (5).
Genome position (GRCh38, 1-based): chr6:63,720,829, C>T on the plus strand (G>A on the coding strand, the complement: EYS is on the minus strand). VCF-style: chr6-63720829-C-T. GRCh37 (hg19) VCF-style: chr6-64430725-C-T.
Other names: c.*7121C>T (NM_001290259.2, NM_001370348.2, NM_001370349.2 and 2 more transcripts); c.9265G>A, p.Glu3089Lys (NM_001292009.2); short protein forms E3068K, E3089K.
Identifiers: ClinVar variation 1005182 (VCV001005182.8), dbSNP rs1241787129, ClinGen allele CA364383023.
Genomic context (GRCh38, chr6:63,720,829, plus strand): 5'-CTAGATAACAAATGCCATCATAGTTTAGAGCCACAAAGTTTTTATGTGGATCAATATCCT[C>T]GGAAAGAATTAGACTGTTATTTATGTAGGCCTTGATAAGAGTCTGATTTTGAATTACAAC-3'
Protein context (NP_001136272.1, residues 3058-3078): AYINNSLILS[Glu3068Lys]DIDPHKNFVA